The following is an entry in ClinVar:

ClinVar aggregate classification (germline): Uncertain significance (1 of 4 stars; one submission).

gnomAD v4.1: 11 of 1,614,000 alleles (0.00068%); highest among the groups gnomAD compares: African/African-American, 0.015%; no homozygotes.

Submission:

Labcorp Genetics (formerly Invitae), Labcorp
Classification: Uncertain significance. Last evaluated: 2022-03-01. Review status: criteria provided, single submitter. Criteria: Invitae Variant Classification Sherloc (09022015). Collection method: clinical testing. Allele origin: germline.
Comment: This sequence change replaces leucine, which is neutral and non-polar, with phenylalanine, which is neutral and non-polar, at codon 2357 of the DMXL2 protein (p.Leu2357Phe). This variant is present in population databases (rs146625172, gnomAD 0.007%). This variant has not been reported in the literature in individuals affected with DMXL2-related conditions. Algorithms developed to predict the effect of missense changes on protein structure and function are either unavailable or do not agree on the potential impact of this missense change (SIFT: "Tolerated"; PolyPhen-2: "Probably Damaging"; Align-GVGD: "Class C0"). In summary, the available evidence is currently insufficient to determine the role of this variant in disease. Therefore, it has been classified as a Variant of Uncertain Significance.

NM_001378457.1(DMXL2):c.7071G>T (p.Leu2357Phe)

Gene: DMXL2 (Dmx like 2; minus strand). Cytogenetic location: 15q21.2.
Variant type: single nucleotide variant.
Coding change: c.7071G>T on transcript NM_001378457.1 (MANE Select); coding-DNA position 7071, G replaced by T.
Protein change: p.Leu2357Phe; replaces leucine 2357 with phenylalanine.
Molecular consequence: missense variant. On other transcripts: non-coding transcript variant (2).
Genome position (GRCh38, 1-based): chr15:51,474,486, C>A on the plus strand (G>T on the coding strand, the complement: DMXL2 is on the minus strand). VCF-style: chr15-51474486-C-A. GRCh37 (hg19) VCF-style: chr15-51766683-C-A.
Other names: c.7071G>T, p.Leu2357Phe (NM_001174116.3, NM_001378459.1, NM_001378461.1 and 1 more transcripts); c.5160G>T, p.Leu1720Phe (NM_001174117.3); c.7068G>T, p.Leu2356Phe (NM_001378458.1, NM_001378462.1, NM_015263.5); c.5049G>T, p.Leu1683Phe (NM_001378460.1); c.6828G>T, p.Leu2276Phe (NM_001378464.1); short protein forms L2276F, L1683F, L1720F, L2356F, L2357F.
Identifiers: ClinVar variation 2174874 (VCV002174874.1), dbSNP rs146625172, ClinGen allele CA7561462.